The following is an entry in ClinVar:

ClinVar aggregate classification (germline): Conflicting classifications of pathogenicity. Review status: criteria provided, conflicting classifications (1 of 4 stars). 5 submissions from 5 submitters: Uncertain significance (4); Likely benign (1). Last evaluated 2026-01-06.

Conditions:
Intellectual disability, autosomal dominant 16 (CSS4). Also called: COFFIN-SIRIS SYNDROME 4. Identifiers: Orphanet 1465, MedGen C3553249, MONDO:0013821, OMIM 614609.
Rhabdoid tumor predisposition syndrome 2 (RTPS2). Identifiers: Orphanet 231108, Orphanet 69077, MedGen C2750074, MONDO:0013224, OMIM 613325.
Hereditary cancer-predisposing syndrome. Also called: Tumor predisposition; Hereditary Cancer Syndrome; Hereditary neoplastic syndrome; Neoplastic Syndromes, Hereditary. Identifiers: Orphanet 140162, MedGen C0027672, MeSH D009386, MONDO:0015356.

Allele frequency attached by ClinVar (database versions not stated): gnomAD exomes below 0.00001 and 0.00001; TOPMed 0.00002.
gnomAD v4.1: 9 of 1,614,192 alleles (0.00056%); highest among the groups gnomAD compares: East Asian, 0.0022%; no homozygotes.

Submissions (5):

Labcorp Genetics (formerly Invitae), Labcorp
Classification: Uncertain significance for Rhabdoid tumor predisposition syndrome 2. Last evaluated: 2026-01-06. Review status: criteria provided, single submitter. Criteria: Invitae Variant Classification Sherloc (09022015). Collection method: clinical testing. Allele origin: germline.
Comment: This sequence change replaces alanine, which is neutral and non-polar, with threonine, which is neutral and polar, at codon 577 of the SMARCA4 protein (p.Ala577Thr). This variant is present in population databases (no rsID available, gnomAD 0.003%). This variant has not been reported in the literature in individuals affected with SMARCA4-related conditions. ClinVar contains an entry for this variant (Variation ID: 537821). Invitae Evidence Modeling of protein sequence and biophysical properties (such as structural, functional, and spatial information, amino acid conservation, physicochemical variation, residue mobility, and thermodynamic stability) indicates that this missense variant is not expected to disrupt SMARCA4 protein function with a negative predictive value of 95%. In summary, the available evidence is currently insufficient to determine the role of this variant in disease. Therefore, it has been classified as a Variant of Uncertain Significance.

Baylor Genetics
Classification: Uncertain significance for Rhabdoid tumor predisposition syndrome 2. Last evaluated: 2023-12-19. Review status: criteria provided, single submitter. Criteria: ACMG Guidelines, 2015. Collection method: clinical testing. Allele origin: unknown.

GeneDx
Classification: Uncertain significance. Last evaluated: 2023-01-25. Review status: criteria provided, single submitter. Criteria: GeneDx Variant Classification Process June 2021. Collection method: clinical testing. Allele origin: germline. Affected: yes.
Comment: In silico analysis supports that this missense variant does not alter protein structure/function; Has not been previously published as pathogenic or benign to our knowledge; This variant is associated with the following publications: (PMID: 35081690)

Ambry Genetics
Classification: Likely benign for Hereditary cancer-predisposing syndrome. Last evaluated: 2022-11-10. Review status: criteria provided, single submitter. Criteria: Ambry Variant Classification Scheme 2023. Collection method: clinical testing. Allele origin: germline.

Genome-Nilou Lab
Classification: Uncertain significance for Intellectual disability, autosomal dominant 16. Last evaluated: 2021-07-15. Review status: criteria provided, single submitter. Criteria: ACMG Guidelines, 2015. Collection method: clinical testing. Allele origin: germline. Affected: no.

NM_003072.5(SMARCA4):c.1729G>A (p.Ala577Thr)

Gene: SMARCA4 (SWI/SNF related BAF chromatin remodeling complex subunit ATPase 4; plus strand). Cytogenetic location: 19p13.2.
Variant type: single nucleotide variant.
Coding change: c.1729G>A on transcript NM_003072.5 (MANE Select); coding-DNA position 1729, G replaced by A.
Protein change: p.Ala577Thr; replaces alanine 577 with threonine.
Molecular consequence: missense variant. On other transcripts: non-coding transcript variant (1).
Genome position (GRCh38, 1-based): chr19:10,996,348, G>A. VCF-style: chr19-10996348-G-A. GRCh37 (hg19) VCF-style: chr19-11107024-G-A.
Other names: c.1729G>A, p.Ala577Thr (NM_001128844.3, NM_001128845.2, NM_001128846.2 and 5 more transcripts); short protein forms A577T.
Identifiers: ClinVar variation 537821 (VCV000537821.21), dbSNP rs1369374541, ClinGen allele CA404064521.